The following is an entry in ClinVar:

ClinVar aggregate classification (germline): Benign/Likely benign. Review status: criteria provided, multiple submitters, no conflicts (2 of 4 stars). 2 submissions from 2 submitters: Benign (1); Likely benign (1). Last evaluated 2025-10-24.

Allele frequency attached by ClinVar (database versions not stated): TOPMed 0.00002; 1000 Genomes Project 30x 0.00031; 1000 Genomes Project 0.00040.
gnomAD v4.1: 145 of 1,614,206 alleles (0.009%); highest among the groups gnomAD compares: South Asian, 0.15%; no homozygotes.

Submissions (2):

Labcorp Genetics (formerly Invitae), Labcorp
Classification: Benign. Last evaluated: 2025-10-24. Review status: criteria provided, single submitter. Criteria: Invitae Variant Classification Sherloc (09022015). Collection method: clinical testing. Allele origin: germline.

CeGaT Center for Human Genetics Tuebingen
Classification: Likely benign. Last evaluated: 2025-04-01. Review status: criteria provided, single submitter. Criteria: CeGaT Center For Human Genetics Tuebingen Variant Classification Criteria Version 2. Collection method: clinical testing. Allele origin: germline. Affected: yes. Observed: 1 variant allele.
Comment: FLNB: BP4, BP7

NM_001457.4(FLNB):c.1710C>T (p.Phe570=)

Gene: FLNB (filamin B; plus strand). Cytogenetic location: 3p14.3.
Variant type: single nucleotide variant.
Coding change: c.1710C>T on transcript NM_001457.4 (MANE Select); coding-DNA position 1710, C replaced by T.
Protein change: p.Phe570=; no amino-acid change (phenylalanine 570 retained).
Molecular consequence: synonymous variant.
Genome position (GRCh38, 1-based): chr3:58,105,179, C>T. VCF-style: chr3-58105179-C-T. GRCh37 (hg19) VCF-style: chr3-58090906-C-T.
Other names: c.1710C>T, p.Phe570= (NM_001164317.2, NM_001164318.2, NM_001164319.2).
Identifiers: ClinVar variation 2896825 (VCV002896825.10), dbSNP rs551771569, ClinGen allele CA2467905.
Genomic context (GRCh38, chr3:58,105,179, plus strand): 5'-GAAAGTCCGTGCTTGGGGCCCTGGGCTCCATGGTGGGATTGTCGGGCGGTCAGCGGACTT[C>T]GTGGTAGAATCCATTGGCTCTGAAGTGGGGTCTCTGGGTAAGTGGACACAGCTGACCAGC-3'
Protein context (NP_001448.2, residues 560-580): HGGIVGRSAD[Phe570=]VVESIGSEVG